The following is an entry in ClinVar:

ClinVar aggregate classification (germline): Uncertain significance (1 of 4 stars; one submission).

Allele frequency attached by ClinVar (database versions not stated): TOPMed below 0.00001.

Submission:

Labcorp Genetics (formerly Invitae), Labcorp
Classification: Uncertain significance. Last evaluated: 2022-09-07. Review status: criteria provided, single submitter. Criteria: Invitae Variant Classification Sherloc (09022015). Collection method: clinical testing. Allele origin: germline.
Comment: In summary, the available evidence is currently insufficient to determine the role of this variant in disease. Therefore, it has been classified as a Variant of Uncertain Significance. Algorithms developed to predict the effect of missense changes on protein structure and function are either unavailable or do not agree on the potential impact of this missense change (SIFT: "Tolerated"; PolyPhen-2: "Possibly Damaging"; Align-GVGD: "Class C0"). This variant has not been reported in the literature in individuals affected with CD46-related conditions. This variant is not present in population databases (gnomAD no frequency). This sequence change replaces leucine, which is neutral and non-polar, with phenylalanine, which is neutral and non-polar, at codon 19 of the CD46 protein (p.Leu19Phe).

NM_172351.3(CD46):c.57G>T (p.Leu19Phe)

Genes: CD46 (CD46 molecule; plus strand), LOC129932405 (ATAC-STARR-seq lymphoblastoid active region 2449; plus strand). Cytogenetic location: 1q32.2.
Variant type: single nucleotide variant.
Coding change: c.57G>T on transcript NM_172351.3 (MANE Select); coding-DNA position 57, G replaced by T.
Protein change: p.Leu19Phe; replaces leucine 19 with phenylalanine.
Molecular consequence: missense variant.
Genome position (GRCh38, 1-based): chr1:207,752,269, G>T. VCF-style: chr1-207752269-G-T. GRCh37 (hg19) VCF-style: chr1-207925614-G-T.
Other names: c.57G>T, p.Leu19Phe (NM_002389.4, NM_153826.4, NM_172350.3 and 8 more transcripts); short protein forms L19F.
Identifiers: ClinVar variation 1716916 (VCV001716916.6), dbSNP rs1654999489, ClinGen allele CA344547802.
Genomic context (GRCh38, chr1:207,752,269, plus strand): 5'-GCGCATGGAGCCTCCCGGCCGCCGCGAGTGTCCCTTTCCTTCCTGGCGCTTTCCTGGGTT[G>T]CTTCTGGCGGCCATGGTGTTGCTGCTGTACTCCTTCTCCGGTAGGACCCCGGGGCGGGTT-3'
Protein context (NP_758861.1, residues 9-29): CPFPSWRFPG[Leu19Phe]LLAAMVLLLY